The following is an entry in ClinVar:

ClinVar aggregate classification (germline): Uncertain significance (1 of 4 stars; one submission).

Submission:

Labcorp Genetics (formerly Invitae), Labcorp
Classification: Uncertain significance. Last evaluated: 2023-11-27. Review status: criteria provided, single submitter. Criteria: Invitae Variant Classification Sherloc (09022015). Collection method: clinical testing. Allele origin: germline.
Comment: This variant occurs in a non-coding region of the ACAN gene. It does not change the encoded amino acid sequence of the ACAN protein. It affects a nucleotide within the consensus splice site. This variant is not present in population databases (gnomAD no frequency). This variant has not been reported in the literature in individuals affected with ACAN-related conditions. Variants that disrupt the consensus splice site are a relatively common cause of aberrant splicing (PMID: 17576681, 9536098). Algorithms developed to predict the effect of sequence changes on RNA splicing suggest that this variant may disrupt the consensus splice site. In summary, the available evidence is currently insufficient to determine the role of this variant in disease. Therefore, it has been classified as a Variant of Uncertain Significance.

Literature cited by the submitters: PubMed 17576681; PubMed 9536098.

NM_001369268.1(ACAN):c.-7-2A>G

Gene: ACAN (aggrecan; plus strand). Cytogenetic location: 15q26.1.
Variant type: single nucleotide variant.
Coding change: c.-7-2A>G on transcript NM_001369268.1 (MANE Select); the canonical splice acceptor site of the intron before 7 bases upstream of the start codon, A replaced by G.
Molecular consequence: splice acceptor variant.
Genome position (GRCh38, 1-based): chr15:88,836,198, A>G. VCF-style: chr15-88836198-A-G. GRCh37 (hg19) VCF-style: chr15-89379429-A-G.
Other names: c.-7-2A>G (NM_013227.4, NM_001411097.1, NM_001411096.1 and 1 more transcripts).
Identifiers: ClinVar variation 2751996 (VCV002751996.3), dbSNP rs1596128699, ClinGen allele CA2697549272.